The following is an entry in ClinVar:

NM_018344.6(SLC29A3):c.926G>T (p.Gly309Val)

Gene: SLC29A3 (solute carrier family 29 member 3; plus strand). Cytogenetic location: 10q22.1.
Variant type: single nucleotide variant.
Coding change: c.926G>T on transcript NM_018344.6 (MANE Select); coding-DNA position 926, G replaced by T.
Protein change: p.Gly309Val; replaces glycine 309 with valine.
Molecular consequence: missense variant. On other transcripts: 3 prime UTR variant (1), non-coding transcript variant (2).
Genome position (GRCh38, 1-based): chr10:71,362,106, G>T. VCF-style: chr10-71362106-G-T. GRCh37 (hg19) VCF-style: chr10-73121863-G-T.
Other names: c.*155G>T (NM_001174098.2); c.692G>T, p.Gly231Val (NM_001363518.2); short protein forms G309V, G231V.
Identifiers: ClinVar variation 1522179 (VCV001522179.8), dbSNP rs2131851398, ClinGen allele CA377114872.

ClinVar aggregate classification (germline): Uncertain significance (1 of 4 stars; one submission).

Conditions:
H syndrome. Also called: FAISALABAD HISTIOCYTOSIS; Histiocytosis with joint contractures and sensorineural deafness; Asrar Facharzt Haque syndrome; HISTIOCYTOSIS AND LYMPHADENOPATHY WITH OR WITHOUT CUTANEOUS, CARDIAC, AND/OR ENDOCRINE FEATURES, JOINT CONTRACTURES, AND/OR DEAFNESS; HYPERPIGMENTATION, CUTANEOUS, WITH HYPERTRICHOSIS, HEPATOSPLENOMEGALY, HEART ANOMALIES, AND HYPOGONADISM WITH OR WITHOUT HEARING LOSS; PIGMENTED HYPERTRICHOSIS WITH INSULIN-DEPENDENT DIABETES MELLITUS. Identifiers: Orphanet 168569, MedGen C1864445, MONDO:0011273, OMIM 602782.

Submission:

Labcorp Genetics (formerly Invitae), Labcorp
Classification: Uncertain significance for H syndrome. Last evaluated: 2020-10-30. Review status: criteria provided, single submitter. Criteria: Invitae Variant Classification Sherloc (09022015). Collection method: clinical testing. Allele origin: germline.
Comment: This sequence change replaces glycine with valine at codon 309 of the SLC29A3 protein (p.Gly309Val). The glycine residue is moderately conserved and there is a moderate physicochemical difference between glycine and valine. This variant is not present in population databases (ExAC no frequency). This variant has not been reported in the literature in individuals with SLC29A3-related conditions. Algorithms developed to predict the effect of missense changes on protein structure and function are either unavailable or do not agree on the potential impact of this missense change (SIFT: "Tolerated"; PolyPhen-2: "Probably Damaging"; Align-GVGD: "Class C0"). In summary, the available evidence is currently insufficient to determine the role of this variant in disease. Therefore, it has been classified as a Variant of Uncertain Significance.